The following is an entry in ClinVar:

NM_004448.4(ERBB2):c.2967C>T (p.Ile989=)

Gene: ERBB2 (erb-b2 receptor tyrosine kinase 2; plus strand). Cytogenetic location: 17q12.
Variant type: single nucleotide variant.
Coding change: c.2967C>T on transcript NM_004448.4 (MANE Select); coding-DNA position 2967, C replaced by T.
Protein change: p.Ile989=; no amino-acid change (isoleucine 989 retained).
Molecular consequence: synonymous variant. On other transcripts: non-coding transcript variant (1), intron variant (1).
Genome position (GRCh38, 1-based): chr17:39,726,656, C>T. VCF-style: chr17-39726656-C-T. GRCh37 (hg19) VCF-style: chr17-37882909-C-T.
Other names: c.2877C>T, p.Ile959= (NM_001005862.3, NM_001382782.1, NM_001382783.1); c.2922C>T, p.Ile974= (NM_001289936.2); c.2967C>T, p.Ile989= (NM_001289937.2, NM_001382796.1); c.3084C>T, p.Ile1028= (NM_001382784.1); c.3069C>T, p.Ile1023= (NM_001382785.1); c.3048C>T, p.Ile1016= (NM_001382786.1); c.3042C>T, p.Ile1014= (NM_001382787.1); c.2997C>T, p.Ile999= (NM_001382788.1); and 15 more.
Identifiers: ClinVar variation 2647722 (VCV002647722.24), dbSNP rs2143141807, ClinGen allele CA499671403.

ClinVar aggregate classification (germline): Likely benign (1 of 4 stars; one submission).

Submission:

CeGaT Center for Human Genetics Tuebingen
Classification: Likely benign. Last evaluated: 2023-10-01. Review status: criteria provided, single submitter. Criteria: CeGaT Center For Human Genetics Tuebingen Variant Classification Criteria Version 2. Collection method: clinical testing. Allele origin: germline. Affected: yes. Observed: 1 variant allele.
Comment: ERBB2: PM2:Supporting, BP4, BP7